The following is an entry in ClinVar:

NM_007255.3(B4GALT7):c.455G>C (p.Ser152Thr)

Gene: B4GALT7 (beta-1,4-galactosyltransferase 7; plus strand). Cytogenetic location: 5q35.3.
Variant type: single nucleotide variant.
Coding change: c.455G>C on transcript NM_007255.3 (MANE Select); coding-DNA position 455, G replaced by C.
Protein change: p.Ser152Thr; replaces serine 152 with threonine.
Molecular consequence: missense variant.
Genome position (GRCh38, 1-based): chr5:177,607,343, G>C. VCF-style: chr5-177607343-G-C. GRCh37 (hg19) VCF-style: chr5-177034344-G-C.
Other names: short protein forms S152T.
Identifiers: ClinVar variation 2994856 (VCV002994856.3), dbSNP rs773857616, ClinGen allele CA3586504.

ClinVar aggregate classification (germline): Uncertain significance (1 of 4 stars; one submission).

Conditions:
Spondylodysplastic Ehlers-Danlos syndrome. Identifiers: Orphanet 536471, Orphanet 75496, MedGen C5680154, MONDO:0007526.

Allele frequency attached by ClinVar (database versions not stated): gnomAD exomes below 0.00001; ExAC 0.00001.
gnomAD v4.1: 3 of 1,613,698 alleles (0.00019%); highest among the groups gnomAD compares: South Asian, 0.0011%; no homozygotes.

Submission:

Labcorp Genetics (formerly Invitae), Labcorp
Classification: Uncertain significance for Spondylodysplastic Ehlers-Danlos syndrome. Last evaluated: 2023-05-19. Review status: criteria provided, single submitter. Criteria: Invitae Variant Classification Sherloc (09022015). Collection method: clinical testing. Allele origin: germline.
Comment: In summary, the available evidence is currently insufficient to determine the role of this variant in disease. Therefore, it has been classified as a Variant of Uncertain Significance. Advanced modeling of protein sequence and biophysical properties (such as structural, functional, and spatial information, amino acid conservation, physicochemical variation, residue mobility, and thermodynamic stability) performed at Invitae indicates that this missense variant is not expected to disrupt B4GALT7 protein function. This variant has not been reported in the literature in individuals affected with B4GALT7-related conditions. This variant is present in population databases (rs773857616, gnomAD 0.01%). This sequence change replaces serine, which is neutral and polar, with threonine, which is neutral and polar, at codon 152 of the B4GALT7 protein (p.Ser152Thr).